The following is an entry in ClinVar:

NM_001080517.3(SETD5):c.2302C>T (p.Arg768Ter)

Gene: SETD5 (SET domain containing 5; plus strand). Cytogenetic location: 3p25.3.
Variant type: single nucleotide variant.
Coding change: c.2302C>T on transcript NM_001080517.3 (MANE Select); coding-DNA position 2302, C replaced by T.
Protein change: p.Arg768Ter; replaces arginine 768 with a stop codon.
Molecular consequence: nonsense.
Genome position (GRCh38, 1-based): chr3:9,448,586, C>T. VCF-style: chr3-9448586-C-T. GRCh37 (hg19) VCF-style: chr3-9490270-C-T.
Other names: c.2008C>T, p.Arg670Ter (NM_001292043.2, NM_001349451.2); short protein forms R768*, R670*.
Identifiers: ClinVar variation 219198 (VCV000219198.22), dbSNP rs864321657, ClinGen allele CA279956.

ClinVar aggregate classification (germline): Pathogenic. Review status: criteria provided, multiple submitters, no conflicts (2 of 4 stars). 11 submissions from 11 submitters: Pathogenic (10). 1 of the submissions does not count toward it. Last evaluated 2025-04-26.

Conditions:
SETD5-related disorder. Also called: SETD5-related disorders; SETD5-related condition.
Inborn genetic diseases. Identifiers: MedGen C0950123, MeSH D030342.
Neurodevelopmental disorder. Identifiers: MedGen C1535926, MeSH D065886, MONDO:0700092.
Intellectual disability-facial dysmorphism syndrome due to SETD5 haploinsufficiency (MRD23). Also called: Intellectual developmental disorder, autosomal dominant 23. Identifiers: Orphanet 404440, MedGen C3810406, MONDO:0014336, OMIM 615761.

Submissions (11):

Labcorp Genetics (formerly Invitae), Labcorp
Classification: Pathogenic. Last evaluated: 2025-04-26. Review status: criteria provided, single submitter. Criteria: Invitae Variant Classification Sherloc (09022015). Collection method: clinical testing. Allele origin: germline.
Comment: This sequence change creates a premature translational stop signal (p.Arg768*) in the SETD5 gene. It is expected to result in an absent or disrupted protein product. Loss-of-function variants in SETD5 are known to be pathogenic (PMID: 24680889). This variant is not present in population databases (gnomAD no frequency). This premature translational stop signal has been observed in individual(s) with clinical features of SETD5-related neurodevelopmental disorder (PMID: 25138099, 28990276). In at least one individual the variant was observed to be de novo. ClinVar contains an entry for this variant (Variation ID: 219198). For these reasons, this variant has been classified as Pathogenic.

Laboratoire Génétique Moléculaire, CHRU TOURS
Classification: Pathogenic for Intellectual disability-facial dysmorphism syndrome due to SETD5 haploinsufficiency. Last evaluated: 2024-12-17. Review status: criteria provided, single submitter. Criteria: ACMG Guidelines, 2015. Collection method: clinical testing. Allele origin: de novo. Affected: yes.
Comment: PVS1;PS2;PM2;PP4;PP5

Victorian Clinical Genetics Services, Murdoch Childrens Research Institute
Classification: Pathogenic for Intellectual disability-facial dysmorphism syndrome due to SETD5 haploinsufficiency. Last evaluated: 2024-10-11. Review status: criteria provided, single submitter. Criteria: ACMG Guidelines, 2015. Collection method: clinical testing. Allele origin: germline. Inheritance: Autosomal dominant inheritance. Affected: yes.
Comment: Based on the classification scheme VCGS_Germline_v1.3.5, this variant is classified as Pathogenic. Following criteria are met: 0102 - Loss of function is a known mechanism of disease in this gene and is associated with intellectual developmental disorder, autosomal dominant 23 (MIM#615761). (I) 0107 - This gene is associated with autosomal dominant disease. (I) 0201 - Variant is predicted to cause nonsense-mediated decay (NMD) and loss of protein (premature termination codon is located at least 54 nucleotides upstream of the final exon-exon junction). (SP) 0251 - This variant is heterozygous. (I) 0301 - Variant is absent from gnomAD (v2, v3 and v4). (SP) 0701 - Other NMD-predicted variants comparable to the one identified in this case have very strong previous evidence for pathogenicity. Many NMD-predicted variants have been reported as pathogenic and likely-pathogenic (ClinVar, DECIPHER). (SP) 0801 - This variant has strong previous evidence of pathogenicity in unrelated individuals. This variant has been reported as pathogenic or likely pathogenic in multiple individuals, including five individuals in whom the variant was de novo (PMIDs: 25138099, 23020937, 28990276, ClinVar, DECIPHER). (SP) Legend: (SP) - Supporting pathogenic, (I) - Information, (SB) - Supporting benign

Ambry Genetics
Classification: Pathogenic for Inborn genetic diseases. Last evaluated: 2024-09-13. Review status: criteria provided, single submitter. Criteria: Ambry Variant Classification Scheme 2023. Collection method: clinical testing. Allele origin: germline.
Comment: The c.2302C>T (p.R768*) alteration, located in exon 16 (coding exon 14) of the SETD5 gene, consists of a C to T substitution at nucleotide position 2302. This changes the amino acid from an arginine (R) to a stop codon at amino acid position 768. This alteration is expected to result in loss of function by premature protein truncation or nonsense-mediated mRNA decay. This variant was not reported in population-based cohorts in the Genome Aggregation Database (gnomAD). This variant has been reported in multiple individuals with features consistent with SETD5-related neurodevelopmental disorder, and occurred de novo in at least one individual (Kuechler, 2015; Zhao, 2017). Based on the available evidence, this alteration is classified as pathogenic.

Blueprint Genetics
Classification: Pathogenic for SETD5-related disorders. Last evaluated: 2022-12-20. Review status: criteria provided, single submitter. Criteria: ACMG Guidelines, 2015. Collection method: clinical testing. Allele origin: de novo. Affected: yes. Observed: 1 variant allele.

GeneDx
Classification: Pathogenic. Last evaluated: 2022-02-15. Review status: criteria provided, single submitter. Criteria: GeneDx Variant Classification Process June 2021. Collection method: clinical testing. Allele origin: germline. Affected: yes.
Comment: Nonsense variant predicted to result in protein truncation or nonsense mediated decay in a gene for which loss-of-function is a known mechanism of disease; Not observed in large population cohorts (gnomAD); This variant is associated with the following publications: (PMID: 24859339, 25138099, 28263952, 28990276, 28191890, 23020937, 31785789, 32299058)

Daryl Scott Lab, Baylor College of Medicine
Classification: Pathogenic for Intellectual disability-facial dysmorphism syndrome due to SETD5 haploinsufficiency. Last evaluated: 2022-01-27. Review status: criteria provided, single submitter. Criteria: ACMG Guidelines, 2015. Collection method: clinical testing. Allele origin: unknown. Affected: yes. Observed: 1 variant allele, 1 heterozygote.

Laboratory of Molecular Genetics (Pr. Bezieau's lab), CHU de Nantes
Classification: Pathogenic for Neurodevelopmental disorder. Last evaluated: 2020-04-02. Review status: criteria provided, single submitter. Criteria: ACMG Guidelines, 2015. Collection method: clinical testing. Allele origin: germline. Affected: yes.

Institute of Human Genetics Munich, TUM University Hospital
Classification: Pathogenic for Intellectual disability-facial dysmorphism syndrome due to SETD5 haploinsufficiency. Last evaluated: 2020-02-14. Review status: criteria provided, single submitter. Criteria: Classification criteria August 2017. Collection method: clinical testing. Allele origin: de novo. Inheritance: Autosomal dominant inheritance. Affected: yes. Observed: 1 heterozygote.

Juno Genomics, Hangzhou Juno Genomics, Inc
Classification: Pathogenic for Intellectual disability-facial dysmorphism syndrome due to SETD5 haploinsufficiency. Review status: criteria provided, single submitter. Criteria: ACMG Guidelines, 2015. Collection method: clinical testing. Allele origin: germline. Affected: yes.
Comment: Absent from controls (or at extremely low frequency if recessive) in Genome Aggregation Database, Exome Sequencing Project, 1000 Genomes Project, or Exome Aggregation Consortium.;De novo (both maternity and paternity confirmed) in a patient with the disease and no family history.;Null variant in a gene where loss of function (LOF) is a known mechanism of disease.;The prevalence of the variant in affected individuals is significantly increased compared to the prevalence in controls.

OMIM
Classification: Pathogenic for INTELLECTUAL DEVELOPMENTAL DISORDER, AUTOSOMAL DOMINANT 23. Last evaluated: 2012-11-10. Review status: no assertion criteria provided. Collection method: literature only. Allele origin: germline. Not counted in ClinVar's aggregate classification.

Literature cited by the submitters: PubMed 24680889 (cited by Labcorp Genetics (formerly Invitae), Labcorp); PubMed 25138099 (cited by 3 submitters); PubMed 28990276 (cited by 3 submitters); PubMed 23020937 (cited by Victorian Clinical Genetics Services, Murdoch Childrens Research Institute and OMIM); PubMed 35904974 (cited by Daryl Scott Lab, Baylor College of Medicine).